The following is an entry in ClinVar:

NM_002528.7(NTHL1):c.190G>A (p.Asp64Asn)

Gene: NTHL1 (nth like DNA glycosylase 1; minus strand). Cytogenetic location: 16p13.3.
Variant type: single nucleotide variant.
Coding change: c.190G>A on transcript NM_002528.7 (MANE Select); coding-DNA position 190, G replaced by A.
Protein change: p.Asp64Asn; replaces aspartic acid 64 with asparagine.
Molecular consequence: missense variant. On other transcripts: synonymous variant (1).
Genome position (GRCh38, 1-based): chr16:2,046,292, C>T on the plus strand (G>A on the coding strand, the complement: NTHL1 is on the minus strand). VCF-style: chr16-2046292-C-T. GRCh37 (hg19) VCF-style: chr16-2096293-C-T.
Other names: c.190G>A, p.Asp64Asn (NM_001318193.2); c.12G>A, p.Arg4= (NM_001318194.2); short protein forms D64N.
Identifiers: ClinVar variation 3881343 (VCV003881343.1).

ClinVar aggregate classification (germline): Uncertain significance (1 of 4 stars; one submission).

Conditions:
Hereditary cancer-predisposing syndrome. Also called: Tumor predisposition; Neoplastic Syndromes, Hereditary; Hereditary Cancer Syndrome; Hereditary neoplastic syndrome. Identifiers: Orphanet 140162, MedGen C0027672, MeSH D009386, MONDO:0015356.

gnomAD v4.1: 2 of 1,613,230 alleles (0.00012%); highest among the groups gnomAD compares: Non-Finnish European, 0.00017%; no homozygotes.

Submission:

Ambry Genetics
Classification: Uncertain significance for Hereditary cancer-predisposing syndrome. Last evaluated: 2025-02-17. Review status: criteria provided, single submitter. Criteria: Ambry Variant Classification Scheme 2023. Collection method: clinical testing. Allele origin: germline.
Comment: The p.D72N variant (also known as c.214G>A), located in coding exon 2 of the NTHL1 gene, results from a G to A substitution at nucleotide position 214. The aspartic acid at codon 72 is replaced by asparagine, an amino acid with highly similar properties. This amino acid position is conserved. In addition, this alteration is predicted to be tolerated by in silico analysis. Based on the available evidence, the clinical significance of this variant remains unclear.